The following is an entry in ClinVar:

ClinVar aggregate classification (germline): Pathogenic (1 of 4 stars; one submission).

Conditions:
EPILEPSY, CHILDHOOD ABSENCE, SUSCEPTIBILITY TO, 2 (ECA2). Identifiers: Orphanet 64280, MedGen C1843244, OMIM 607681.
Febrile seizures, familial, 8 (FEB8). Also called: CONVULSIONS, FAMILIAL FEBRILE, 8. Identifiers: Orphanet 36387, MedGen C1969810, MONDO:0011891, OMIM 607681.

Allele frequency attached by ClinVar (database versions not stated): TOPMed below 0.00001; gnomAD 0.00001.
gnomAD v4.1: 1 of 1,609,720 alleles (0.000062%); highest among the groups gnomAD compares: African/African-American, 0.0013%; no homozygotes.

Submission:

Labcorp Genetics (formerly Invitae), Labcorp
Classification: Pathogenic for Febrile seizures, familial, 8; EPILEPSY, CHILDHOOD ABSENCE, SUSCEPTIBILITY TO, 2. Last evaluated: 2019-10-10. Review status: criteria provided, single submitter. Criteria: Invitae Variant Classification Sherloc (09022015). Collection method: clinical testing. Allele origin: germline.
Comment: This sequence change creates a premature translational stop signal (p.Gln191*) in the GABRG2 gene. It is expected to result in an absent or disrupted protein product. This variant is not present in population databases (ExAC no frequency). This variant has not been reported in the literature in individuals with GABRG2-related conditions. Truncating variants in GABRG2 are known to be pathogenic (PMID: 23720301, 22750526, 24407264, 22539854). For these reasons, this variant has been classified as Pathogenic.

Literature cited by the submitters: PubMed 23720301; PubMed 22750526; PubMed 24407264; PubMed 22539854.

NM_198904.4(GABRG2):c.571C>T (p.Gln191Ter)

Gene: GABRG2 (gamma-aminobutyric acid type A receptor subunit gamma2; plus strand). Cytogenetic location: 5q34.
Variant type: single nucleotide variant.
Coding change: c.571C>T on transcript NM_198904.4 (MANE Select); coding-DNA position 571, C replaced by T.
Protein change: p.Gln191Ter; replaces glutamine 191 with a stop codon.
Molecular consequence: nonsense.
Genome position (GRCh38, 1-based): chr5:162,101,257, C>T. VCF-style: chr5-162101257-C-T. GRCh37 (hg19) VCF-style: chr5-161528263-C-T.
Other names: c.571C>T, p.Gln191Ter (NM_000816.3, NM_001375340.1, NM_001375341.1 and 4 more transcripts); c.562C>T, p.Gln188Ter (NM_001375339.1); c.505C>T, p.Gln169Ter (NM_001375345.1, NM_001375346.1); c.484C>T, p.Gln162Ter (NM_001375347.1); c.151C>T, p.Gln51Ter (NM_001375348.1, NM_001375350.1); c.286C>T, p.Gln96Ter (NM_001375349.1); short protein forms Q96*, Q162*, Q188*, Q191*, Q51*, Q169*.
Identifiers: ClinVar variation 934630 (VCV000934630.10), dbSNP rs1334776746, ClinGen allele CA362184539.